The following is an entry in ClinVar:

NM_001127222.2(CACNA1A):c.3004A>T (p.Arg1002Trp)

Gene: CACNA1A (calcium voltage-gated channel subunit alpha1 A; minus strand). Cytogenetic location: 19p13.13.
Variant type: single nucleotide variant.
Coding change: c.3004A>T on transcript NM_001127222.2 (MANE Select); coding-DNA position 3004, A replaced by T.
Protein change: p.Arg1002Trp; replaces arginine 1002 with tryptophan.
Molecular consequence: missense variant.
Genome position (GRCh38, 1-based): chr19:13,298,629, T>A on the plus strand (A>T on the coding strand, the complement: CACNA1A is on the minus strand). VCF-style: chr19-13298629-T-A. GRCh37 (hg19) VCF-style: chr19-13409443-T-A.
Other names: c.3016A>T, p.Arg1006Trp (NM_000068.4, NM_023035.3); c.3007A>T, p.Arg1003Trp (NM_001127221.2, NM_001174080.2); short protein forms R1003W, R1006W, R1002W.
Identifiers: ClinVar variation 1511390 (VCV001511390.8), dbSNP rs1175036875, ClinGen allele CA404342272.

ClinVar aggregate classification (germline): Uncertain significance (1 of 4 stars; one submission).

Conditions:
Episodic ataxia type 2 (EA2). Also called: ATAXIA, EPISODIC, WITH NYSTAGMUS; ATAXIA, FAMILIAL PAROXYSMAL; CEREBELLAR ATAXIA, PAROXYSMAL, ACETAZOLAMIDE-RESPONSIVE; CEREBELLOPATHY, HEREDITARY PAROXYSMAL; ACETAZOLAMIDE-RESPONSIVE HEREDITARY PAROXYSMAL CEREBELLAR ATAXIA; EPISODIC ATAXIA, NYSTAGMUS-ASSOCIATED. Identifiers: Orphanet 97, MedGen C1720416, MONDO:0007163, OMIM 108500.
Developmental and epileptic encephalopathy, 42 (DEE42A). Also called: DEVELOPMENTAL AND EPILEPTIC ENCEPHALOPATHY 42A; EPILEPTIC ENCEPHALOPATHY, EARLY INFANTILE, 42A; Epileptic encephalopathy, early infantile, 42. Identifiers: MedGen C4310716, MONDO:0014917, OMIM 617106.

Submission:

Labcorp Genetics (formerly Invitae), Labcorp
Classification: Uncertain significance for Developmental and epileptic encephalopathy, 42; Episodic ataxia type 2. Last evaluated: 2021-02-17. Review status: criteria provided, single submitter. Criteria: Invitae Variant Classification Sherloc (09022015). Collection method: clinical testing. Allele origin: germline.
Comment: In summary, the available evidence is currently insufficient to determine the role of this variant in disease. Therefore, it has been classified as a Variant of Uncertain Significance. Advanced modeling of protein sequence and biophysical properties (such as structural, functional, and spatial information, amino acid conservation, physicochemical variation, residue mobility, and thermodynamic stability) performed at Invitae indicates that this missense variant is not expected to disrupt CACNA1A protein function. This variant has not been reported in the literature in individuals with CACNA1A-related conditions. This variant is not present in population databases (ExAC no frequency). This sequence change replaces arginine with tryptophan at codon 1003 of the CACNA1A protein (p.Arg1003Trp). The arginine residue is weakly conserved and there is a moderate physicochemical difference between arginine and tryptophan.